The following is an entry in ClinVar:

ClinVar aggregate classification (germline): Benign/Likely benign. Review status: criteria provided, multiple submitters, no conflicts (2 of 4 stars). 3 submissions from 3 submitters: Benign (1); Likely benign (2). Last evaluated 2026-05-24.

Conditions:
Hereditary cancer-predisposing syndrome. Also called: Hereditary neoplastic syndrome; Neoplastic Syndromes, Hereditary; Tumor predisposition; Hereditary Cancer Syndrome. Identifiers: Orphanet 140162, MedGen C0027672, MeSH D009386, MONDO:0015356.
Familial adenomatous polyposis 1 (FAP1). Also called: POLYPOSIS, ADENOMATOUS INTESTINAL; FAMILIAL ADENOMATOUS POLYPOSIS 1, ATTENUATED. Identifiers: MedGen C2713442, MONDO:0021056, OMIM 175100. Disease mechanism: loss of function.

Allele frequency attached by ClinVar (database versions not stated): gnomAD exomes below 0.00001.
gnomAD v4.1: 1 of 1,614,034 alleles (0.000062%); highest among the groups gnomAD compares: Non-Finnish European, 0.000085%; no homozygotes.

Submissions (3):

Ambry Genetics
Classification: Likely benign for Hereditary cancer-predisposing syndrome. Last evaluated: 2026-05-24. Review status: criteria provided, single submitter. Criteria: Ambry Variant Classification Scheme 2023. Collection method: clinical testing. Allele origin: germline.

Labcorp Genetics (formerly Invitae), Labcorp
Classification: Likely benign for Familial adenomatous polyposis 1. Last evaluated: 2024-04-27. Review status: criteria provided, single submitter. Criteria: Invitae Variant Classification Sherloc (09022015). Collection method: clinical testing. Allele origin: germline.

Myriad Genetics, Inc.
Classification: Benign for Familial adenomatous polyposis 1. Last evaluated: 2024-04-02. Review status: criteria provided, single submitter. Criteria: Myriad Autosomal Dominant, Autosomal Recessive and X-Linked Classification Criteria (2023). Collection method: clinical testing. Allele origin: unknown.
Comment: This variant is considered benign. This variant is a silent/synonymous amino acid change and it is not expected to impact splicing.

NM_000038.6(APC):c.5730A>G (p.Thr1910=)

Gene: APC (APC regulator of Wnt signaling pathway; plus strand). Cytogenetic location: 5q22.2.
Variant type: single nucleotide variant.
Coding change: c.5730A>G on transcript NM_000038.6 (MANE Select); coding-DNA position 5730, A replaced by G.
Protein change: p.Thr1910=; no amino-acid change (threonine 1910 retained).
Molecular consequence: synonymous variant. On other transcripts: non-coding transcript variant (2).
Genome position (GRCh38, 1-based): chr5:112,841,324, A>G. VCF-style: chr5-112841324-A-G. GRCh37 (hg19) VCF-style: chr5-112177021-A-G.
Other names: c.5730A>G (NM_000038.5); c.5730A>G, p.Thr1910= (NM_001127510.3, NM_001354895.2, NM_001407450.1); c.5676A>G, p.Thr1892= (NM_001127511.3); c.5784A>G, p.Thr1928= (NM_001354896.2, NM_001407447.1, NM_001407448.1 and 1 more transcripts); c.5760A>G, p.Thr1920= (NM_001354897.2); c.5655A>G, p.Thr1885= (NM_001354898.2); c.5646A>G, p.Thr1882= (NM_001354899.2); c.5607A>G, p.Thr1869= (NM_001354900.2); and 12 more.
Identifiers: ClinVar variation 2883591 (VCV002883591.5), dbSNP rs2149947683, ClinGen allele CA446209398.
Genomic context (GRCh38, chr5:112,841,324, plus strand): 5'-AGAGGCTAAAGTTACCAGCCACACAGAACTAACCTCCAACCAACAATCAGCTAATAAGAC[A>G]CAAGCTATTGCAAAGCAGCCAATAAATCGAGGTCAGCCTAAACCCATACTTCAGAAACAA-3'
Protein context (NP_000029.2, residues 1900-1920): LTSNQQSANK[Thr1910=]QAIAKQPINR